The following is an entry in ClinVar:

ClinVar aggregate classification (germline): Benign (1 of 4 stars; one submission).

Allele frequency attached by ClinVar (database versions not stated): gnomAD 0.03911 and 0.04185; 1000 Genomes Project 0.04073; 1000 Genomes Project 30x 0.04247; TOPMed 0.04278.
gnomAD v4.1: 5,869 of 152,120 alleles (3.9%); highest among the groups gnomAD compares: African/African-American, 14%; 382 homozygotes.

Submission:

GeneDx
Classification: Benign. Last evaluated: 2018-06-14. Review status: criteria provided, single submitter. Criteria: GeneDx Variant Classification (06012015). Collection method: clinical testing. Allele origin: germline. Affected: yes.
Comment: This variant is considered likely benign or benign based on one or more of the following criteria: it is a conservative change, it occurs at a poorly conserved position in the protein, it is predicted to be benign by multiple in silico algorithms, and/or has population frequency not consistent with disease.

NM_000748.3(CHRNB2):c.1338+245A>G

Gene: CHRNB2 (cholinergic receptor nicotinic beta 2 subunit; plus strand). Cytogenetic location: 1q21.3.
Variant type: single nucleotide variant.
Coding change: c.1338+245A>G on transcript NM_000748.3 (MANE Select); 245 bases into the intron after coding-DNA position 1338, A replaced by G.
Molecular consequence: intron variant.
Genome position (GRCh38, 1-based): chr1:154,572,406, A>G. VCF-style: chr1-154572406-A-G. GRCh37 (hg19) VCF-style: chr1-154544882-A-G.
Identifiers: ClinVar variation 677333 (VCV000677333.1), dbSNP rs74119105, ClinGen allele CA30835424.